The following is an entry in ClinVar:

NM_201599.3(ZMYM3):c.866G>A (p.Arg289His)

Gene: ZMYM3 (zinc finger MYM-type containing 3; minus strand). Cytogenetic location: Xq13.1.
Variant type: single nucleotide variant.
Coding change: c.866G>A on transcript NM_201599.3 (MANE Select); coding-DNA position 866, G replaced by A.
Protein change: p.Arg289His; replaces arginine 289 with histidine.
Molecular consequence: missense variant.
Genome position (GRCh38, 1-based): chrX:71,250,639, C>T on the plus strand (G>A on the coding strand, the complement: ZMYM3 is on the minus strand). VCF-style: chrX-71250639-C-T. GRCh37 (hg19) VCF-style: chrX-70470489-C-T.
Other names: c.866G>A, p.Arg289His (NM_001171162.1, NM_001171163.1, NM_005096.3); short protein forms R289H.
Identifiers: ClinVar variation 4813258 (VCV004813258.1).
Genomic context (GRCh38, chrX:71,250,639, plus strand): 5'-ATCTTGGTGCCCACTGCAGAGCGCCCGGCCCTTTGTGACACACTTGAGCGTAGGGACATG[C>T]GAGGAGAGCGCCGGGGCCGGAATGGCACAAAGTCCTCATCATTGGGGTCATCTACCATGG-3'
Protein context (NP_963893.1, residues 279-299): FVPFRPRRSP[Arg289His]MSLRSSVSQR

ClinVar aggregate classification (germline): Uncertain significance (1 of 4 stars; one submission).

gnomAD v4.1: 6 of 1,208,672 alleles (0.0005%); highest among the groups gnomAD compares: Admixed American, 0.0022%; no homozygotes.

Submission:

GeneDx
Classification: Uncertain significance. Last evaluated: 2025-09-08. Review status: criteria provided, single submitter. Criteria: GeneDx Variant Classification Process June 2021. Collection method: clinical testing. Allele origin: germline. Affected: yes.
Comment: Not observed at significant frequency in large population cohorts (gnomAD); In silico analysis suggests that this missense variant does not alter protein structure/function; Has not been previously published as pathogenic or benign to our knowledge